The following is an entry in ClinVar:

NM_001257180.2(SLC20A2):c.452C>A (p.Pro151Gln)

Gene: SLC20A2 (solute carrier family 20 member 2; minus strand). Cytogenetic location: 8p11.21.
Variant type: single nucleotide variant.
Coding change: c.452C>A on transcript NM_001257180.2 (MANE Select); coding-DNA position 452, C replaced by A.
Protein change: p.Pro151Gln; replaces proline 151 with glutamine.
Molecular consequence: missense variant.
Genome position (GRCh38, 1-based): chr8:42,463,069, G>T on the plus strand (C>A on the coding strand, the complement: SLC20A2 is on the minus strand). VCF-style: chr8-42463069-G-T. GRCh37 (hg19) VCF-style: chr8-42320587-G-T.
Other names: c.452C>A, p.Pro151Gln (NM_001257181.2, NM_006749.5); short protein forms P151Q.
Identifiers: ClinVar variation 1803671 (VCV001803671.1), dbSNP rs2487524321, ClinGen allele CA371086434.
Genomic context (GRCh38, chr8:42,463,069, plus strand): 5'-TTTAAGATGAAAATTCTGATGAGTACAAACAGCAGGCCAGACATGAAACCAGACAACAGT[G>T]GAGATATAAACCAAGAAGCAACTGAATAATTAAAAAAAAAATCTAATGAATGTTAAAATT-3'
Protein context (NP_001244109.1, residues 141-161): VKIVASWFIS[Pro151Gln]LLSGFMSGLL

ClinVar aggregate classification (germline): Uncertain significance (1 of 4 stars; one submission).

Submission:

GeneDx
Classification: Uncertain significance. Last evaluated: 2022-06-09. Review status: criteria provided, single submitter. Criteria: GeneDx Variant Classification Process June 2021. Collection method: clinical testing. Allele origin: germline. Affected: yes.
Comment: Not observed at significant frequency in large population cohorts (gnomAD); In silico analysis supports that this missense variant has a deleterious effect on protein structure/function; Has not been previously published as pathogenic or benign to our knowledge